The following is an entry in ClinVar:

ClinVar aggregate classification (germline): Uncertain significance. Review status: criteria provided, multiple submitters, no conflicts (2 of 4 stars). 5 submissions from 5 submitters: Uncertain significance (5). Last evaluated 2023-10-20.

Conditions:
Emery-Dreifuss muscular dystrophy 4, autosomal dominant (EDMD4). Also called: EMERY-DREIFUSS MUSCULAR DYSTROPHY 4 WITH VARIABLE FEATURES. Identifiers: Orphanet 261, MedGen C2751807, MONDO:0013071, OMIM 612998.
Autosomal recessive ataxia, Beauce type. Also called: SYNE1-Related Autosomal Recessive Cerebellar Ataxia; Spinocerebellar ataxia, autosomal recessive 8; ATAXIA, RECESSIVE, OF BEAUCE; SYNE1 Deficiency. Identifiers: Orphanet 88644, MedGen C1853116, MONDO:0012549, OMIM 610743.

Allele frequency attached by ClinVar (database versions not stated): ExAC 0.00001; gnomAD 0.00001; gnomAD exomes 0.00001; TOPMed below 0.00001.
gnomAD v4.1: 64 of 1,614,080 alleles (0.004%); highest among the groups gnomAD compares: Non-Finnish European, 0.0054%; no homozygotes.

Submissions (5):

Revvity Omics, Revvity
Classification: Uncertain significance. Last evaluated: 2023-10-20. Review status: criteria provided, single submitter. Criteria: ACMG Guidelines, 2015. Collection method: clinical testing. Allele origin: germline.

GeneDx
Classification: Uncertain significance. Last evaluated: 2022-04-11. Review status: criteria provided, single submitter. Criteria: GeneDx Variant Classification Process June 2021. Collection method: clinical testing. Allele origin: germline. Affected: yes.
Comment: Not observed at significant frequency in large population cohorts (gnomAD); In silico analysis supports that this missense variant has a deleterious effect on protein structure/function; Has not been previously published as pathogenic or benign to our knowledge

Labcorp Genetics (formerly Invitae), Labcorp
Classification: Uncertain significance for Emery-Dreifuss muscular dystrophy 4, autosomal dominant; Autosomal recessive ataxia, Beauce type. Last evaluated: 2021-08-27. Review status: criteria provided, single submitter. Criteria: Invitae Variant Classification Sherloc (09022015). Collection method: clinical testing. Allele origin: germline.
Comment: This sequence change replaces glutamine with proline at codon 4540 of the SYNE1 protein (p.Gln4540Pro). The glutamine residue is highly conserved and there is a moderate physicochemical difference between glutamine and proline. This variant is present in population databases (rs762392590, ExAC 0.001%). This variant has not been reported in the literature in individuals affected with SYNE1-related conditions. ClinVar contains an entry for this variant (Variation ID: 586709). Algorithms developed to predict the effect of missense changes on protein structure and function (SIFT, PolyPhen-2, Align-GVGD) all suggest that this variant is likely to be disruptive. In summary, the available evidence is currently insufficient to determine the role of this variant in disease. Therefore, it has been classified as a Variant of Uncertain Significance.

Athena Diagnostics
Classification: Uncertain significance. Last evaluated: 2018-07-02. Review status: criteria provided, single submitter. Criteria: Athena Diagnostics Criteria. Collection method: clinical testing. Allele origin: germline.

Eurofins Ntd Llc (ga)
Classification: Uncertain significance. Last evaluated: 2018-02-11. Review status: criteria provided, single submitter. Criteria: EGL ClinVar v180209 classification definitions. Collection method: clinical testing. Allele origin: germline. Observed: 1 variant allele, 1 heterozygote.

NM_182961.4(SYNE1):c.13832A>C (p.Gln4611Pro)

Gene: SYNE1 (spectrin repeat containing nuclear envelope protein 1; minus strand). Cytogenetic location: 6q25.2.
Variant type: single nucleotide variant.
Coding change: c.13832A>C on transcript NM_182961.4 (MANE Select); coding-DNA position 13832, A replaced by C.
Protein change: p.Gln4611Pro; replaces glutamine 4611 with proline.
Molecular consequence: missense variant.
Genome position (GRCh38, 1-based): chr6:152,330,853, T>G on the plus strand (A>C on the coding strand, the complement: SYNE1 is on the minus strand). VCF-style: chr6-152330853-T-G. GRCh37 (hg19) VCF-style: chr6-152651988-T-G.
Other names: c.13619A>C, p.Gln4540Pro (NM_033071.5); short protein forms Q4540P, Q4611P.
Identifiers: ClinVar variation 586709 (VCV000586709.14), dbSNP rs762392590, ClinGen allele CA4056117.